The following is an entry in ClinVar:

NM_001127453.2(GSDME):c.686dup (p.Asp229fs)

Gene: GSDME (gasdermin E; minus strand). Cytogenetic location: 7p15.3.
Variant type: Duplication.
Coding change: c.686dup on transcript NM_001127453.2 (MANE Select); coding-DNA position 686, one base duplicated (A; older notation c.686dupA).
Protein change: p.Asp229fs; shifts the reading frame from aspartic acid 229.
Molecular consequence: frameshift variant.
Genome position (GRCh38, 1-based): chr7:24,717,265, T duplicated on the plus strand (A on the coding strand, the reverse complement: GSDME is on the minus strand). VCF-style (leftmost placement, unchanged base first): chr7-24717264-G-GT. GRCh37 (hg19) VCF-style: chr7-24756883-G-GT.
Other names: NM_004403.2:c.686dupA; p.Asp229GlufsX23; c.686_687insA (NM_004403.2); c.686dup (NM_004403.2); c.194dup, p.Asp65fs (NM_001127454.2); c.686dup, p.Asp229fs (NM_004403.3); short protein forms D229fs, D65fs.
Identifiers: ClinVar variation 517170 (VCV000517170.7), dbSNP rs777408599, ClinGen allele CA4191649.

ClinVar aggregate classification (germline): Conflicting classifications of pathogenicity. Review status: criteria provided, conflicting classifications (1 of 4 stars). 3 submissions from 3 submitters: Uncertain significance (2); Likely benign (1). Last evaluated 2024-10-09.

Allele frequency attached by ClinVar (database versions not stated): ExAC 0.00001; gnomAD exomes 0.00001 and 0.00004; gnomAD 0.00005; TOPMed 0.00009.

Submissions (3):

GeneDx
Classification: Uncertain significance. Last evaluated: 2024-10-09. Review status: criteria provided, single submitter. Criteria: GeneDx Variant Classification Process June 2021. Collection method: clinical testing. Allele origin: germline. Affected: yes.
Comment: Has not been previously published as pathogenic or benign to our knowledge; Frameshift variant predicted to result in protein truncation or nonsense mediated decay in a gene for which loss-of-function is not a known mechanism of disease

Labcorp Genetics (formerly Invitae), Labcorp
Classification: Likely benign. Last evaluated: 2024-03-25. Review status: criteria provided, single submitter. Criteria: Invitae Variant Classification Sherloc (09022015). Collection method: clinical testing. Allele origin: germline.

Laboratory for Molecular Medicine, Mass General Brigham Personalized Medicine
Classification: Uncertain significance. Last evaluated: 2016-11-30. Review status: criteria provided, single submitter. Criteria: LMM Criteria. Collection method: clinical testing. Allele origin: germline. Observed: 1 variant allele.
Comment: Variant classified as Uncertain Significance - Favor Benign. The p.Asp229fs vari ant in DFNA5 has not been previously reported in individuals with hearing loss, but has been identified in 11/35510 of Latino chromosomes by the Genome Aggregat ion Database (gnomAD; dbSNP rs777408599). Thi s variant is predicted to cause a frameshift, which alters the protein?s amino a cid sequence beginning at position 229 and leads to a premature termination codo n 23 amino acids downstream. This alteration is then predicted to lead to a trun cated or absent protein. However, only variants resulting in altered splicing an d skipping of exon 8 have been reported to be causative for hearing loss through a gain of function mechanism of disease (Van Laer 2004). The p.Asp229fs variant is located in exon 5 of DFNA5 and is expected to result in loss of function (Lo F), which is not a known mechanism of hearing loss in this gene. In fact, a fram eshift variant in DFNA5 has been reported in members of an Iranian family, in wh ich the variant did not segregate with the hearing loss (Van Laer 2007). In summ ary, while the clinical significance of the p.Asp229fs variant is uncertain, its frequency in the general population and the lack of evidence supporting a LoF m echanism for hearing loss in DFNA5 suggests it is more likely to be benign.